The following is an entry in ClinVar:

ClinVar aggregate classification (germline): Likely benign (1 of 4 stars; one submission).

Conditions:
FOXD1-related disorder. Also called: FOXD1-related condition.

Submission:

PreventionGenetics, part of Exact Sciences
Classification: Likely benign for FOXD1-related condition. Last evaluated: 2022-04-08. Review status: criteria provided, single submitter. Criteria: ACMG Guidelines, 2015. Collection method: clinical testing. Allele origin: germline.
Comment: This variant is classified as likely benign based on ACMG/AMP sequence variant interpretation guidelines (Richards et al. 2015 PMID: 25741868, with internal and published modifications).

NM_004472.3(FOXD1):c.1251C>A (p.Gly417=)

Gene: FOXD1 (forkhead box D1; minus strand). Cytogenetic location: 5q13.2.
Variant type: single nucleotide variant.
Coding change: c.1251C>A on transcript NM_004472.3 (MANE Select); coding-DNA position 1251, C replaced by A.
Protein change: p.Gly417=; no amino-acid change (glycine 417 retained).
Molecular consequence: synonymous variant.
Genome position (GRCh38, 1-based): chr5:73,447,112, G>T on the plus strand (C>A on the coding strand, the complement: FOXD1 is on the minus strand). VCF-style: chr5-73447112-G-T. GRCh37 (hg19) VCF-style: chr5-72742939-G-T.
Identifiers: ClinVar variation 3052425 (VCV003052425.1), dbSNP rs1745513263, ClinGen allele CA445095529.